The following is an entry in ClinVar:

NM_006015.6(ARID1A):c.2069C>T (p.Pro690Leu)

Gene: ARID1A (AT-rich interaction domain 1A; plus strand). Cytogenetic location: 1p36.11.
Variant type: single nucleotide variant.
Coding change: c.2069C>T on transcript NM_006015.6 (MANE Select); coding-DNA position 2069, C replaced by T.
Protein change: p.Pro690Leu; replaces proline 690 with leucine.
Molecular consequence: missense variant.
Genome position (GRCh38, 1-based): chr1:26,761,004, C>T. VCF-style: chr1-26761004-C-T. GRCh37 (hg19) VCF-style: chr1-27087495-C-T.
Other names: c.2069C>T, p.Pro690Leu (NM_139135.4); short protein forms P690L.
Identifiers: ClinVar variation 1314227 (VCV001314227.2), dbSNP rs769595876, ClinGen allele CA339152927.

ClinVar aggregate classification (germline): Uncertain significance (1 of 4 stars; one submission).

Submission:

GeneDx
Classification: Uncertain significance. Last evaluated: 2021-03-30. Review status: criteria provided, single submitter. Criteria: GeneDx Variant Classification Process June 2021. Collection method: clinical testing. Allele origin: germline. Affected: yes.
Comment: Not observed in large population cohorts (Lek et al., 2016); In silico analysis supports that this missense variant has a deleterious effect on protein structure/function; Has not been previously published as pathogenic or benign to our knowledge